The following is an entry in ClinVar:

NM_000321.3(RB1):c.569T>A (p.Val190Glu)

Gene: RB1 (RB transcriptional corepressor 1; plus strand). Cytogenetic location: 13q14.2.
Variant type: single nucleotide variant.
Coding change: c.569T>A on transcript NM_000321.3 (MANE Select); coding-DNA position 569, T replaced by A.
Protein change: p.Val190Glu; replaces valine 190 with glutamic acid.
Molecular consequence: missense variant.
Genome position (GRCh38, 1-based): chr13:48,348,985, T>A. VCF-style: chr13-48348985-T-A. GRCh37 (hg19) VCF-style: chr13-48923121-T-A.
Other names: c.569T>A, p.Val190Glu (NM_001407165.1, NM_001407166.1); short protein forms V190E.
Identifiers: ClinVar variation 3659064 (VCV003659064.3).
Genomic context (GRCh38, chr13:48,348,985, plus strand): 5'-GTTTTTTTTCTGCTTTCTATTTGTTTAATAGGATATCTACTGAAATAAATTCTGCATTGG[T>A]GCTAAAAGTTTCTTGGATCACATTTTTATTAGCTAAAGGTAAGTTCATTATATTTATTAA-3'
Protein context (NP_000312.2, residues 180-200): SISTEINSAL[Val190Glu]LKVSWITFLL

ClinVar aggregate classification (germline): Uncertain significance. Review status: criteria provided, multiple submitters, no conflicts (2 of 4 stars). 2 submissions from 2 submitters: Uncertain significance (2). Last evaluated 2026-07-07.

Conditions:
Retinoblastoma (RB1). Also called: RETINOBLASTOMA, SOMATIC. Identifiers: Orphanet 790, MedGen C0035335, MeSH D012175, MONDO:0008380, OMIM 180200, HP:0009919. Disease mechanism: loss of function. Inheritance: Both sporadic and heritable forms are tested..
Hereditary cancer-predisposing syndrome. Also called: Tumor predisposition; Hereditary neoplastic syndrome; Hereditary Cancer Syndrome; Neoplastic Syndromes, Hereditary. Identifiers: Orphanet 140162, MedGen C0027672, MeSH D009386, MONDO:0015356.

Submissions (2):

Ambry Genetics
Classification: Uncertain significance for Hereditary cancer-predisposing syndrome. Last evaluated: 2026-07-07. Review status: criteria provided, single submitter. Criteria: Ambry Variant Classification Scheme 2023. Collection method: clinical testing. Allele origin: germline.
Comment: The p.V190E variant (also known as c.569T>A), located in coding exon 6 of the RB1 gene, results from a T to A substitution at nucleotide position 569. The valine at codon 190 is replaced by glutamic acid, an amino acid with dissimilar properties. This amino acid position is conserved. In addition, this alteration is predicted to be deleterious by in silico analysis. Based on the available evidence, the clinical significance of this variant remains unclear.

Labcorp Genetics (formerly Invitae), Labcorp
Classification: Uncertain significance for Retinoblastoma. Last evaluated: 2024-07-16. Review status: criteria provided, single submitter. Criteria: Invitae Variant Classification Sherloc (09022015). Collection method: clinical testing. Allele origin: germline.
Comment: This sequence change replaces valine, which is neutral and non-polar, with glutamic acid, which is acidic and polar, at codon 190 of the RB1 protein (p.Val190Glu). This variant is not present in population databases (gnomAD no frequency). This variant has not been reported in the literature in individuals affected with RB1-related conditions. Advanced modeling of protein sequence and biophysical properties (such as structural, functional, and spatial information, amino acid conservation, physicochemical variation, residue mobility, and thermodynamic stability) performed at Invitae indicates that this missense variant is not expected to disrupt RB1 protein function with a negative predictive value of 80%. In summary, the available evidence is currently insufficient to determine the role of this variant in disease. Therefore, it has been classified as a Variant of Uncertain Significance.